The following is an entry in ClinVar:

ClinVar aggregate classification (germline): Uncertain significance (1 of 4 stars; one submission).

Allele frequency attached by ClinVar (database versions not stated): gnomAD exomes below 0.00001; ExAC 0.00001.
gnomAD v4.1: 1 of 1,613,950 alleles (0.000062%); highest among the groups gnomAD compares: South Asian, 0.0011%; no homozygotes.

Submission:

Biesecker Lab/Clinical Genomics Section, National Institutes of Health
Classification: Uncertain significance. Last evaluated: 2013-06-24. Review status: criteria provided, single submitter. Criteria: Ng et al. (Circ Cardiovasc Genet. 2013). Collection method: research. Allele origin: unknown. Observed: 1 variant allele. Study: ClinSeq.
Comment: The study set was not selected for affection status in relation to any cancer. Pathogenicity categories were based on literature curation. See Pubmed ID:23861362 for details.

Medical sequencing

NM_001267550.2(TTN):c.103995C>G (p.Leu34665=)

Genes: TTN (titin; minus strand), TTN-AS1 (TTN antisense RNA 1; plus strand). Cytogenetic location: 2q31.2.
Variant type: single nucleotide variant.
Coding change: c.103995C>G on transcript NM_001267550.2 (MANE Select); coding-DNA position 103995, C replaced by G.
Protein change: p.Leu34665=; no amino-acid change (leucine 34665 retained).
Molecular consequence: synonymous variant.
Genome position (GRCh38, 1-based): chr2:178,532,620, G>C on the plus strand (C>G on the coding strand, the complement: TTN is on the minus strand). VCF-style: chr2-178532620-G-C. GRCh37 (hg19) VCF-style: chr2-179397347-G-C.
Other names: c.99072C>G, p.Leu33024= (NM_001256850.1); c.76800C>G, p.Leu25600= (NM_003319.4); c.96291C>G, p.Leu32097= (NM_133378.4); c.77175C>G, p.Leu25725= (NM_133432.3); c.77376C>G, p.Leu25792= (NM_133437.4).
Identifiers: ClinVar variation 191815 (VCV000191815.1), dbSNP rs779452265, ClinGen allele CA237614.